The following is an entry in ClinVar:

NM_138927.4(SON):c.4438TCA[1] (p.Ser1481del)

Gene: SON (SON DNA and RNA binding protein; plus strand). Cytogenetic location: 21q22.11.
Variant type: Microsatellite.
Coding change: c.4438TCA[1] on transcript NM_138927.4 (MANE Select); one copy of the 3-base unit TCA starting at c.4438; the reference has two copies in a row; one copy, 3 bases deleted.
Protein change: p.Ser1481del; deletes serine 1481.
Molecular consequence: inframe deletion. On other transcripts: inframe indel (3), non-coding transcript variant (1), intron variant (1).
Genome position (GRCh38, 1-based): chr21:33,553,672-33,553,674, TCA deleted; deleting any 3 consecutive bases within chr21:33,553,669-33,553,674 gives the same sequence; the position shown is the placement nearest the transcript's 3' end. VCF-style (leftmost placement, unchanged base first): chr21-33553668-GTCA-G. GRCh37 (hg19) VCF-style: chr21-34925974-GTCA-G.
Other names: c.4438TCA[1], p.Ser1481del (NM_001291411.2, NM_032195.3); c.4438_4440TCA[1], p.Ser1481del (NM_001412133.1, NM_058183.2, NM_138926.1); c.245-3484_245-3482del (NM_001291412.3); short protein forms S1481del.
Identifiers: ClinVar variation 2963378 (VCV002963378.3), dbSNP rs1569057160, ClinGen allele CA920297424.

ClinVar aggregate classification (germline): Uncertain significance (1 of 4 stars; one submission).

Submission:

Labcorp Genetics (formerly Invitae), Labcorp
Classification: Uncertain significance. Last evaluated: 2024-01-02. Review status: criteria provided, single submitter. Criteria: Invitae Variant Classification Sherloc (09022015). Collection method: clinical testing. Allele origin: germline.
Comment: This variant, c.4441_4443del, results in the deletion of 1 amino acid(s) of the SON protein (p.Ser1481del), but otherwise preserves the integrity of the reading frame. This variant is not present in population databases (gnomAD no frequency). This variant has not been reported in the literature in individuals affected with SON-related conditions. Experimental studies and prediction algorithms are not available or were not evaluated, and the functional significance of this variant is currently unknown. In summary, the available evidence is currently insufficient to determine the role of this variant in disease. Therefore, it has been classified as a Variant of Uncertain Significance.